The following is an entry in ClinVar:

Single allele

Genes: LINC00347 (long intergenic non-protein coding RNA 347; plus strand), NDFIP2-AS1 (NDFIP2 antisense RNA 1; minus strand), MYCBP2-AS1 (MYCBP2 antisense RNA 1; plus strand), OBI1 (ORC ubiquitin ligase 1; minus strand), LMO7DN (LMO7 downstream neighbor; plus strand) and 162 more. Cytogenetic location: 13q21.33-31.1.
Variant type: Deletion.
Identifiers: ClinVar variation 3775100 (VCV003775100.1).

ClinVar aggregate classification (germline): Pathogenic (1 of 4 stars; one submission).

Conditions:
Ataxia, intention tremor, and hypotonia syndrome, childhood-onset. Identifiers: MedGen C5543478, MONDO:0859158, OMIM 619352.
Waardenburg syndrome type 4A (WS4A). Also called: WAARDENBURG SYNDROME WITH HIRSCHSPRUNG DISEASE, TYPE 4A. Identifiers: Orphanet 897, MedGen C1848519, MONDO:0010192, OMIM 277580.

Submission:

Kasturba Medical College, Manipal, Kasturba Medical College, Manipal, Manipal Academy of Higher Education, Manipal, India
Classification: Pathogenic for Waardenburg syndrome type 4A; Ataxia, intention tremor, and hypotonia syndrome, childhood-onset. Review status: criteria provided, single submitter. Criteria: ACMG/ClinGen CNV Guidelines, 2019. Collection method: research. Allele origin: de novo. Inheritance: Autosomal dominant inheritance. Affected: yes. Observed: 1 heterozygote.
Comment: This CNV encompasses a total of 50 genes involving six morbid genes, PIBF1, TBC1D4, CLN5, FBXL3, EDNRB and POU4F1. This CNV is not seen in population databases like gnomAD (v4.1.0) and Database of Genomic Variants (DGV). Heterozygous loss-of-function variants in EDNRB are known to cause autosomal dominant Waardenburg syndrome type 4A (MIM #277580) characterized by pigmentary abnormalities of skin, hair, and eyes such as heterochromia iridis, sensorineural hearing loss, and Hirschsprung disease. Heterozygous loss-of-function variants in POU4F1 are known to cause ataxia, intention tremor, and hypotonia syndrome, childhood-onset (MIM #619352) with clinical features of global developmental delay, intellectual disability, learning disabilities, hypotonia, and ataxia.